The following is an entry in ClinVar:

ClinVar aggregate classification (germline): Uncertain significance (1 of 4 stars; one submission).

Allele frequency attached by ClinVar (database versions not stated): TOPMed below 0.00001; gnomAD exomes 0.00001 and 0.00003; ExAC 0.00006.
gnomAD v4.1: 13 of 1,613,822 alleles (0.00081%); highest among the groups gnomAD compares: Admixed American, 0.015%; no homozygotes.

Submission:

Labcorp Genetics (formerly Invitae), Labcorp
Classification: Uncertain significance. Last evaluated: 2025-03-09. Review status: criteria provided, single submitter. Criteria: Invitae Variant Classification Sherloc (09022015). Collection method: clinical testing. Allele origin: germline.
Comment: This sequence change replaces arginine, which is basic and polar, with glutamine, which is neutral and polar, at codon 783 of the CLCN6 protein (p.Arg783Gln). This variant is present in population databases (rs749005644, gnomAD 0.01%). This variant has not been reported in the literature in individuals affected with CLCN6-related conditions. ClinVar contains an entry for this variant (Variation ID: 1478116). An algorithm developed to predict the effect of missense changes on protein structure and function (PolyPhen-2) suggests that this variant is likely to be disruptive. In summary, the available evidence is currently insufficient to determine the role of this variant in disease. Therefore, it has been classified as a Variant of Uncertain Significance.

NM_001286.5(CLCN6):c.2348G>A (p.Arg783Gln)

Gene: CLCN6 (chloride voltage-gated channel 6; plus strand). Cytogenetic location: 1p36.22.
Variant type: single nucleotide variant.
Coding change: c.2348G>A on transcript NM_001286.5 (MANE Select); coding-DNA position 2348, G replaced by A.
Protein change: p.Arg783Gln; replaces arginine 783 with glutamine.
Molecular consequence: missense variant. On other transcripts: non-coding transcript variant (1).
Genome position (GRCh38, 1-based): chr1:11,838,387, G>A. VCF-style: chr1-11838387-G-A. GRCh37 (hg19) VCF-style: chr1-11898444-G-A.
Other names: c.2282G>A, p.Arg761Gln (NM_001256959.2); short protein forms R761Q, R783Q.
Identifiers: ClinVar variation 1478116 (VCV001478116.6), dbSNP rs749005644, ClinGen allele CA596812.